The following is an entry in ClinVar:

NM_145045.5(ODAD3):c.1557G>A (p.Val519=)

Gene: ODAD3 (outer dynein arm docking complex subunit 3; minus strand). Cytogenetic location: 19p13.2.
Variant type: single nucleotide variant.
Coding change: c.1557G>A on transcript NM_145045.5 (MANE Select); coding-DNA position 1557, G replaced by A.
Protein change: p.Val519=; no amino-acid change (valine 519 retained).
Molecular consequence: synonymous variant.
Genome position (GRCh38, 1-based): chr19:11,421,710, C>T on the plus strand (G>A on the coding strand, the complement: ODAD3 is on the minus strand). VCF-style: chr19-11421710-C-T. GRCh37 (hg19) VCF-style: chr19-11532378-C-T.
Other names: c.1557G>A (NM_145045.4); c.1395G>A, p.Val465= (NM_001302453.1); c.1377G>A, p.Val459= (NM_001302454.2).
Identifiers: ClinVar variation 2198199 (VCV002198199.6), dbSNP rs779209740, ClinGen allele CA9211998.

ClinVar aggregate classification (germline): Likely benign. Review status: criteria provided, single submitter (1 of 4 stars). 2 submissions from 2 submitters: Likely benign (1). 1 of the submissions does not count toward it. Last evaluated 2026-01-27.

Conditions:
ODAD3-related disorder. Also called: ODAD3-related condition.
Primary ciliary dyskinesia 30. Also called: CILIARY DYSKINESIA, PRIMARY, 30, WITH OR WITHOUT SITUS INVERSUS. Identifiers: Orphanet 244, MedGen C4015016, MONDO:0014465, OMIM 616037.

Allele frequency attached by ClinVar (database versions not stated): ExAC 0.00001; gnomAD 0.00001; TOPMed 0.00002.
gnomAD v4.1: 47 of 1,613,188 alleles (0.0029%); highest among the groups gnomAD compares: Admixed American, 0.005%; no homozygotes.

Submissions (2):

Labcorp Genetics (formerly Invitae), Labcorp
Classification: Likely benign for Primary ciliary dyskinesia 30. Last evaluated: 2026-01-27. Review status: criteria provided, single submitter. Criteria: Invitae Variant Classification Sherloc (09022015). Collection method: clinical testing. Allele origin: germline.

PreventionGenetics, part of Exact Sciences
Classification: Likely benign for ODAD3-related condition. Last evaluated: 2020-02-03. Review status: no assertion criteria provided. Collection method: clinical testing. Allele origin: germline. Not counted in ClinVar's aggregate classification.
Comment: This variant is classified as likely benign based on ACMG/AMP sequence variant interpretation guidelines (Richards et al. 2015 PMID: 25741868, with internal and published modifications).